The following is an entry in ClinVar:

ClinVar aggregate classification (germline): Uncertain significance (1 of 4 stars; one submission).

Allele frequency attached by ClinVar (database versions not stated): gnomAD exomes below 0.00001; TOPMed 0.00001.

Submission:

Labcorp Genetics (formerly Invitae), Labcorp
Classification: Uncertain significance. Last evaluated: 2024-12-02. Review status: criteria provided, single submitter. Criteria: Invitae Variant Classification Sherloc (09022015). Collection method: clinical testing. Allele origin: germline.
Comment: This sequence change replaces aspartic acid, which is acidic and polar, with asparagine, which is neutral and polar, at codon 29 of the CDHR1 protein (p.Asp29Asn). This variant is present in population databases (no rsID available, gnomAD 0.0009%). This variant has not been reported in the literature in individuals affected with CDHR1-related conditions. ClinVar contains an entry for this variant (Variation ID: 1000304). Invitae Evidence Modeling of protein sequence and biophysical properties (such as structural, functional, and spatial information, amino acid conservation, physicochemical variation, residue mobility, and thermodynamic stability) indicates that this missense variant is not expected to disrupt CDHR1 protein function with a negative predictive value of 95%. In summary, the available evidence is currently insufficient to determine the role of this variant in disease. Therefore, it has been classified as a Variant of Uncertain Significance.

NM_033100.4(CDHR1):c.85G>A (p.Asp29Asn)

Gene: CDHR1 (cadherin related family member 1; plus strand). Cytogenetic location: 10q23.1.
Variant type: single nucleotide variant.
Coding change: c.85G>A on transcript NM_033100.4 (MANE Select); coding-DNA position 85, G replaced by A.
Protein change: p.Asp29Asn; replaces aspartic acid 29 with asparagine.
Molecular consequence: missense variant.
Genome position (GRCh38, 1-based): chr10:84,195,523, G>A. VCF-style: chr10-84195523-G-A. GRCh37 (hg19) VCF-style: chr10-85955279-G-A.
Other names: c.85G>A, p.Asp29Asn (NM_001171971.3); short protein forms D29N.
Identifiers: ClinVar variation 1000304 (VCV001000304.8), dbSNP rs909628849, ClinGen allele CA210376811.